The following is an entry in ClinVar:

NM_001605.3(AARS1):c.392A>G (p.Glu131Gly)

Gene: AARS1 (alanyl-tRNA synthetase 1; minus strand). Cytogenetic location: 16q22.1.
Variant type: single nucleotide variant.
Coding change: c.392A>G on transcript NM_001605.3 (MANE Select); coding-DNA position 392, A replaced by G.
Protein change: p.Glu131Gly; replaces glutamic acid 131 with glycine.
Molecular consequence: missense variant.
Genome position (GRCh38, 1-based): chr16:70,276,573, T>C on the plus strand (A>G on the coding strand, the complement: AARS1 is on the minus strand). VCF-style: chr16-70276573-T-C. GRCh37 (hg19) VCF-style: chr16-70310476-T-C.
Other names: short protein forms E131G.
Identifiers: ClinVar variation 3661310 (VCV003661310.2).

ClinVar aggregate classification (germline): Uncertain significance (1 of 4 stars; one submission).

Conditions:
Charcot-Marie-Tooth disease type 2. Also called: Charcot-Marie-Tooth type 2. Identifiers: Orphanet 64746, MedGen C0270914, MONDO:0018993.

Submission:

Labcorp Genetics (formerly Invitae), Labcorp
Classification: Uncertain significance for Charcot-Marie-Tooth disease type 2. Last evaluated: 2024-08-11. Review status: criteria provided, single submitter. Criteria: Invitae Variant Classification Sherloc (09022015). Collection method: clinical testing. Allele origin: germline.
Comment: This sequence change replaces glutamic acid, which is acidic and polar, with glycine, which is neutral and non-polar, at codon 131 of the AARS protein (p.Glu131Gly). This variant is not present in population databases (gnomAD no frequency). This variant has not been reported in the literature in individuals affected with AARS-related conditions. Advanced modeling of protein sequence and biophysical properties (such as structural, functional, and spatial information, amino acid conservation, physicochemical variation, residue mobility, and thermodynamic stability) performed at Invitae indicates that this missense variant is not expected to disrupt AARS protein function with a negative predictive value of 95%. In summary, the available evidence is currently insufficient to determine the role of this variant in disease. Therefore, it has been classified as a Variant of Uncertain Significance.